The following is an entry in ClinVar:

ClinVar aggregate classification (germline): Uncertain significance (1 of 4 stars; one submission).

Allele frequency attached by ClinVar (database versions not stated): TOPMed below 0.00001.

Submission:

Labcorp Genetics (formerly Invitae), Labcorp
Classification: Uncertain significance. Last evaluated: 2021-11-10. Review status: criteria provided, single submitter. Criteria: Invitae Variant Classification Sherloc (09022015). Collection method: clinical testing. Allele origin: germline.
Comment: In summary, the available evidence is currently insufficient to determine the role of this variant in disease. Therefore, it has been classified as a Variant of Uncertain Significance. Algorithms developed to predict the effect of missense changes on protein structure and function output the following: SIFT: "Tolerated"; PolyPhen-2: "Benign"; Align-GVGD: "Class C0". The alanine amino acid residue is found in multiple mammalian species, which suggests that this missense change does not adversely affect protein function. This variant has not been reported in the literature in individuals affected with PRPF4-related conditions. This variant is not present in population databases (gnomAD no frequency). This sequence change replaces threonine, which is neutral and polar, with alanine, which is neutral and non-polar, at codon 9 of the PRPF4 protein (p.Thr9Ala).

NM_001244926.2(PRPF4):c.25A>G (p.Thr9Ala)

Gene: PRPF4 (pre-mRNA splicing tri-snRNP complex factor PRPF4; plus strand). Cytogenetic location: 9q32.
Variant type: single nucleotide variant.
Coding change: c.25A>G on transcript NM_001244926.2 (MANE Select); coding-DNA position 25, A replaced by G.
Protein change: p.Thr9Ala; replaces threonine 9 with alanine.
Molecular consequence: missense variant. On other transcripts: 5 prime UTR variant (2), non-coding transcript variant (2).
Genome position (GRCh38, 1-based): chr9:113,275,768, A>G. VCF-style: chr9-113275768-A-G. GRCh37 (hg19) VCF-style: chr9-116038048-A-G.
Other names: c.-741A>G (NM_001322266.2); c.-744A>G (NM_001322267.2); c.25A>G, p.Thr9Ala (NM_004697.5); short protein forms T9A.
Identifiers: ClinVar variation 1407386 (VCV001407386.6), dbSNP rs1832070770, ClinGen allele CA374551004.
Genomic context (GRCh38, chr9:113,275,768, plus strand): 5'-GGGTTTCGCTGGGGCCTCGCGGCTCCAGAGCCCAGCATGGCTTCCTCGCGAGCCTCTTCC[A>G]CGGTACAGAGCCCGGGATCCCAGCTCACTCTGGCAGGGAGCGCTAAGGGGGAAGGGGATC-3'
Protein context (NP_001231855.1, residues 1-19): MASSRASS[Thr9Ala]ATKTKAPDDL